The following is an entry in ClinVar:

NM_001130438.3(SPTAN1):c.3542G>T (p.Arg1181Met)

Gene: SPTAN1 (spectrin alpha, non-erythrocytic 1; plus strand). Cytogenetic location: 9q34.11.
Variant type: single nucleotide variant.
Coding change: c.3542G>T on transcript NM_001130438.3 (MANE Select); coding-DNA position 3542, G replaced by T.
Protein change: p.Arg1181Met; replaces arginine 1181 with methionine.
Molecular consequence: missense variant.
Genome position (GRCh38, 1-based): chr9:128,598,985, G>T. VCF-style: chr9-128598985-G-T. GRCh37 (hg19) VCF-style: chr9-131361264-G-T.
Other names: c.3542G>T (NM_001130438.2); c.3482G>T, p.Arg1161Met (NM_001195532.2, NM_001363765.2, NM_001375314.2); c.3542G>T, p.Arg1181Met (NM_001363759.2, NM_001375310.1, NM_001375311.2 and 2 more transcripts); c.3578G>T, p.Arg1193Met (NM_001375312.2, NM_001375318.1); short protein forms R1161M, R1181M, R1193M.
Identifiers: ClinVar variation 1719920 (VCV001719920.7), dbSNP rs1854686043, ClinGen allele CA375062582.
Genomic context (GRCh38, chr9:128,598,985, plus strand): 5'-CTTCTAATAATAAAACTGGTTTCTCTCTCTCCTTGTAGGAAGTGTATGGCATGATGCCCA[G>T]GGTAAGTTTCGGGTGCTGTGTGTGGATCTTGAACATGAGAAGGACTTAAATCTTGGGAAG-3'
Protein context (NP_001123910.1, residues 1171-1191): QQQEVYGMMP[Arg1181Met]DETDSKTASP

ClinVar aggregate classification (germline): Uncertain significance. Review status: criteria provided, single submitter (1 of 4 stars). 2 submissions from 2 submitters: Uncertain significance (1). 1 of the submissions does not count toward it. Last evaluated 2022-09-20.

Conditions:
SPTAN1-related disorder. Also called: SPTAN1-related condition; SPTAN1-related disorders.
Early-infantile DEE. Also called: Early infantile epileptic encephalopathy with suppression bursts; Early infantile epileptic encephalopathy; Ohtahara syndrome. Identifiers: Orphanet 1934, MedGen C0393706, MONDO:0800491.

gnomAD v4.1: 4 of 1,614,014 alleles (0.00025%); highest among the groups gnomAD compares: South Asian, 0.0033%; no homozygotes.

Submissions (2):

Labcorp Genetics (formerly Invitae), Labcorp
Classification: Uncertain significance for Early-infantile DEE. Last evaluated: 2022-09-20. Review status: criteria provided, single submitter. Criteria: Invitae Variant Classification Sherloc (09022015). Collection method: clinical testing. Allele origin: germline.
Comment: This variant is not present in population databases (gnomAD no frequency). In summary, the available evidence is currently insufficient to determine the role of this variant in disease. Therefore, it has been classified as a Variant of Uncertain Significance. Advanced modeling of protein sequence and biophysical properties (such as structural, functional, and spatial information, amino acid conservation, physicochemical variation, residue mobility, and thermodynamic stability) has been performed at Invitae for this missense variant, however the output from this modeling did not meet the statistical confidence thresholds required to predict the impact of this variant on SPTAN1 protein function. This variant has not been reported in the literature in individuals affected with SPTAN1-related conditions. This sequence change replaces arginine, which is basic and polar, with methionine, which is neutral and non-polar, at codon 1181 of the SPTAN1 protein (p.Arg1181Met).

PreventionGenetics, part of Exact Sciences
Classification: Uncertain significance for SPTAN1-related condition. Last evaluated: 2023-11-14. Review status: no assertion criteria provided. Collection method: clinical testing. Allele origin: germline. Not counted in ClinVar's aggregate classification.
Comment: The SPTAN1 c.3542G>T variant is predicted to result in the amino acid substitution p.Arg1181Met. To our knowledge, this variant has not been reported in the literature or in a large population database, indicating this variant is rare. At this time, the clinical significance of this variant is uncertain due to the absence of conclusive functional and genetic evidence.